The following is an entry in ClinVar:

NM_003998.4(NFKB1):c.571+5G>A

Gene: NFKB1 (nuclear factor kappa B subunit 1; plus strand). Cytogenetic location: 4q24.
Variant type: single nucleotide variant.
Coding change: c.571+5G>A on transcript NM_003998.4 (MANE Select); 5 bases into the intron after coding-DNA position 571, G replaced by A.
Molecular consequence: intron variant.
Genome position (GRCh38, 1-based): chr4:102,577,044, G>A. VCF-style: chr4-102577044-G-A. GRCh37 (hg19) VCF-style: chr4-103498201-G-A.
Other names: c.568+5G>A (NM_001165412.2, NM_001319226.2).
Identifiers: ClinVar variation 750729 (VCV000750729.13), dbSNP rs111881231, ClinGen allele CA3025905.

ClinVar aggregate classification (germline): Benign/Likely benign. Review status: criteria provided, multiple submitters, no conflicts (2 of 4 stars). 3 submissions from 3 submitters: Benign (1); Likely benign (1). 1 of the submissions does not count toward it. Last evaluated 2025-12-24.

Conditions:
NFKB1-related disorder. Also called: NFKB1-related condition.

Allele frequency attached by ClinVar (database versions not stated): gnomAD exomes 0.00010 and 0.00031; 1000 Genomes Project 0.00020; 1000 Genomes Project 30x 0.00031; ExAC 0.00037; gnomAD 0.00119 and 0.00130; TOPMed 0.00131; ESP Exome Variant Server 0.00138.

Submissions (3):

Labcorp Genetics (formerly Invitae), Labcorp
Classification: Benign. Last evaluated: 2025-12-24. Review status: criteria provided, single submitter. Criteria: Invitae Variant Classification Sherloc (09022015). Collection method: clinical testing. Allele origin: germline.

Blueprint Genetics
Classification: Likely benign. Last evaluated: 2024-11-13. Review status: criteria provided, single submitter. Criteria: ACMG Guidelines, 2015. Collection method: clinical testing. Allele origin: germline.

PreventionGenetics, part of Exact Sciences
Classification: Benign for NFKB1-related condition. Last evaluated: 2019-07-10. Review status: no assertion criteria provided. Collection method: clinical testing. Allele origin: germline. Not counted in ClinVar's aggregate classification.
Comment: This variant is classified as benign based on ACMG/AMP sequence variant interpretation guidelines (Richards et al. 2015 PMID: 25741868, with internal and published modifications).